The following is an entry in ClinVar:

ClinVar aggregate classification (germline): Uncertain significance (1 of 4 stars; one submission).

Conditions:
Cardiovascular phenotype. Identifiers: MedGen CN230736.

Submission:

Ambry Genetics
Classification: Uncertain significance for Cardiovascular phenotype. Last evaluated: 2024-05-02. Review status: criteria provided, single submitter. Criteria: Ambry Variant Classification Scheme 2023. Collection method: clinical testing. Allele origin: germline.
Comment: The p.S13F variant (also known as c.38C>T), located in coding exon 1 of the TBX20 gene, results from a C to T substitution at nucleotide position 38. The serine at codon 13 is replaced by phenylalanine, an amino acid with highly dissimilar properties. This amino acid position is conserved. In addition, the in silico prediction for this alteration is inconclusive. Based on the available evidence, the clinical significance of this variant remains unclear.

NM_001077653.2(TBX20):c.38C>T (p.Ser13Phe)

Gene: TBX20 (T-box transcription factor 20; minus strand). Cytogenetic location: 7p14.2.
Variant type: single nucleotide variant.
Coding change: c.38C>T on transcript NM_001077653.2 (MANE Select); coding-DNA position 38, C replaced by T.
Protein change: p.Ser13Phe; replaces serine 13 with phenylalanine.
Molecular consequence: missense variant.
Genome position (GRCh38, 1-based): chr7:35,253,583, G>A on the plus strand (C>T on the coding strand, the complement: TBX20 is on the minus strand). VCF-style: chr7-35253583-G-A. GRCh37 (hg19) VCF-style: chr7-35293194-G-A.
Other names: c.38C>T, p.Ser13Phe (NM_001166220.1); short protein forms S13F.
Identifiers: ClinVar variation 3324862 (VCV003324862.1).